The following is an entry in ClinVar:

NM_201599.3(ZMYM3):c.3184C>T (p.Leu1062Phe)

Gene: ZMYM3 (zinc finger MYM-type containing 3; minus strand). Cytogenetic location: Xq13.1.
Variant type: single nucleotide variant.
Coding change: c.3184C>T on transcript NM_201599.3 (MANE Select); coding-DNA position 3184, C replaced by T.
Protein change: p.Leu1062Phe; replaces leucine 1062 with phenylalanine.
Molecular consequence: missense variant.
Genome position (GRCh38, 1-based): chrX:71,244,398, G>A on the plus strand (C>T on the coding strand, the complement: ZMYM3 is on the minus strand). VCF-style: chrX-71244398-G-A. GRCh37 (hg19) VCF-style: chrX-70464248-G-A.
Other names: c.3148C>T, p.Leu1050Phe (NM_001171162.1); c.3184C>T, p.Leu1062Phe (NM_005096.3); short protein forms L1050F, L1062F.
Identifiers: ClinVar variation 3371566 (VCV003371566.1).

ClinVar aggregate classification (germline): Uncertain significance (1 of 4 stars; one submission).

Submission:

GeneDx
Classification: Uncertain significance. Last evaluated: 2024-03-27. Review status: criteria provided, single submitter. Criteria: GeneDx Variant Classification Process June 2021. Collection method: clinical testing. Allele origin: germline. Affected: yes.
Comment: Not observed at significant frequency in large population cohorts (gnomAD); In silico analysis supports that this missense variant does not alter protein structure/function; Has not been previously published as pathogenic or benign to our knowledge